The following is an entry in ClinVar:

ClinVar aggregate classification (germline): Uncertain significance. Review status: criteria provided, multiple submitters, no conflicts (2 of 4 stars). 4 submissions from 4 submitters: Uncertain significance (4). Last evaluated 2025-04-15.

Conditions:
Juvenile polyposis syndrome (JPS). Identifiers: Orphanet 2929, MedGen C0345893, MONDO:0017380, OMIM 174900.
Hereditary cancer-predisposing syndrome. Also called: Tumor predisposition; Neoplastic Syndromes, Hereditary; Hereditary Cancer Syndrome; Hereditary neoplastic syndrome. Identifiers: Orphanet 140162, MedGen C0027672, MeSH D009386, MONDO:0015356.
Polyposis syndrome, hereditary mixed, 2. Identifiers: Orphanet 157794, MedGen C1864730, MONDO:0012405, OMIM 610069.

Submissions (4):

Color Diagnostics, LLC DBA Color Health
Classification: Uncertain significance for Hereditary cancer-predisposing syndrome. Last evaluated: 2025-04-15. Review status: criteria provided, single submitter. Criteria: ACMG Guidelines, 2015. Collection method: clinical testing. Allele origin: germline.
Comment: This missense variant replaces proline with arginine at codon 139 of the BMPR1A protein. Computational prediction suggests that this variant may have deleterious impact on protein structure and function. To our knowledge, functional studies have not been reported for this variant. This variant has not been reported in individuals affected with BMPR1A-related disorders in the literature. This variant has not been identified in the general population by the Genome Aggregation Database (gnomAD). The available evidence is insufficient to determine the role of this variant in disease conclusively. Therefore, this variant is classified as a Variant of Uncertain Significance.

Ambry Genetics
Classification: Uncertain significance for Hereditary cancer-predisposing syndrome. Last evaluated: 2024-03-13. Review status: criteria provided, single submitter. Criteria: Ambry Variant Classification Scheme 2023. Collection method: clinical testing. Allele origin: germline.
Comment: The p.P139R variant (also known as c.416C>G), located in coding exon 4 of the BMPR1A gene, results from a C to G substitution at nucleotide position 416. The proline at codon 139 is replaced by arginine, an amino acid with dissimilar properties. This amino acid position is conserved. In addition, the in silico prediction for this alteration is inconclusive. Based on the available evidence, the clinical significance of this alteration remains unclear.

Baylor Genetics
Classification: Uncertain significance for Polyposis syndrome, hereditary mixed, 2. Last evaluated: 2024-03-05. Review status: criteria provided, single submitter. Criteria: ACMG Guidelines, 2015. Collection method: clinical testing. Allele origin: unknown.

Labcorp Genetics (formerly Invitae), Labcorp
Classification: Uncertain significance for Juvenile polyposis syndrome. Last evaluated: 2022-04-04. Review status: criteria provided, single submitter. Criteria: Invitae Variant Classification Sherloc (09022015). Collection method: clinical testing. Allele origin: germline.
Comment: In summary, the available evidence is currently insufficient to determine the role of this variant in disease. Therefore, it has been classified as a Variant of Uncertain Significance. Advanced modeling of protein sequence and biophysical properties (such as structural, functional, and spatial information, amino acid conservation, physicochemical variation, residue mobility, and thermodynamic stability) performed at Invitae indicates that this missense variant is not expected to disrupt BMPR1A protein function. ClinVar contains an entry for this variant (Variation ID: 490997). This variant has not been reported in the literature in individuals affected with BMPR1A-related conditions. This variant is not present in population databases (gnomAD no frequency). This sequence change replaces proline, which is neutral and non-polar, with arginine, which is basic and polar, at codon 139 of the BMPR1A protein (p.Pro139Arg).

NM_004329.3(BMPR1A):c.416C>G (p.Pro139Arg)

Gene: BMPR1A (bone morphogenetic protein receptor type 1A; plus strand). Cytogenetic location: 10q23.2.
Variant type: single nucleotide variant.
Coding change: c.416C>G on transcript NM_004329.3 (MANE Select); coding-DNA position 416, C replaced by G.
Protein change: p.Pro139Arg; replaces proline 139 with arginine.
Molecular consequence: missense variant.
Genome position (GRCh38, 1-based): chr10:86,899,876, C>G. VCF-style: chr10-86899876-C-G. GRCh37 (hg19) VCF-style: chr10-88659633-C-G.
Other names: short protein forms P139R.
Identifiers: ClinVar variation 490997 (VCV000490997.17), dbSNP rs1554888987, ClinGen allele CA377449826.